The following is an entry in ClinVar:

NM_003661.4(APOL1):c.368T>A (p.Ile123Asn)

Gene: APOL1 (apolipoprotein L1; plus strand). Cytogenetic location: 22q12.3.
Variant type: single nucleotide variant.
Coding change: c.368T>A on transcript NM_003661.4 (MANE Select); coding-DNA position 368, T replaced by A.
Protein change: p.Ile123Asn; replaces isoleucine 123 with asparagine.
Molecular consequence: missense variant.
Genome position (GRCh38, 1-based): chr22:36,265,204, T>A. VCF-style: chr22-36265204-T-A. GRCh37 (hg19) VCF-style: chr22-36661250-T-A.
Other names: c.314T>A, p.Ile105Asn (NM_001136541.2, NM_001362927.2); c.416T>A, p.Ile139Asn (NM_145343.3); c.368T>A, p.Ile123Asn (NM_001136540.2); short protein forms I105N, I123N, I139N.
Identifiers: ClinVar variation 2799913 (VCV002799913.3), dbSNP rs772560002, ClinGen allele CA411366312.

ClinVar aggregate classification (germline): Uncertain significance (1 of 4 stars; one submission).

Submission:

Labcorp Genetics (formerly Invitae), Labcorp
Classification: Uncertain significance. Last evaluated: 2025-06-12. Review status: criteria provided, single submitter. Criteria: Invitae Variant Classification Sherloc (09022015). Collection method: clinical testing. Allele origin: germline.
Comment: This sequence change replaces isoleucine, which is neutral and non-polar, with asparagine, which is neutral and polar, at codon 123 of the APOL1 protein (p.Ile123Asn). This variant is not present in population databases (gnomAD no frequency). This variant has not been reported in the literature in individuals affected with APOL1-related conditions. ClinVar contains an entry for this variant (Variation ID: 2799913). An algorithm developed to predict the effect of missense changes on protein structure and function (PolyPhen-2) suggests that this variant is likely to be disruptive. In summary, the available evidence is currently insufficient to determine the role of this variant in disease. Therefore, it has been classified as a Variant of Uncertain Significance.